The following is an entry in ClinVar:

ClinVar aggregate classification (germline): Likely benign (1 of 4 stars; one submission).

Submission:

GeneDx
Classification: Likely benign. Last evaluated: 2021-05-26. Review status: criteria provided, single submitter. Criteria: GeneDx Variant Classification Process June 2021. Collection method: clinical testing. Allele origin: germline. Affected: yes.
Comment: See Variant Classification Assertion Criteria.

NM_004523.4(KIF11):c.574-81GT[21]

Gene: KIF11 (kinesin family member 11; plus strand). Cytogenetic location: 10q23.33.
Variant type: Microsatellite.
Coding change: c.574-81GT[21] on transcript NM_004523.4 (MANE Select); 21 copies in a row of the 2-base unit GT starting at c.574-81; the reference has 20 copies in a row; one copy, 2 bases duplicated.
Molecular consequence: intron variant.
Genome position (GRCh38, 1-based): chr10:92,609,342-92,609,343, GT duplicated; duplicating any 2 consecutive bases within chr10:92,609,304-92,609,343 gives the same sequence; the position shown is the placement nearest the transcript's 3' end. VCF-style (leftmost placement, unchanged base first): chr10-92609303-A-AGT. GRCh37 (hg19) VCF-style: chr10-94369060-A-AGT.
Identifiers: ClinVar variation 1693326 (VCV001693326.2), dbSNP rs368696835, ClinGen allele CA595264506.